The following is an entry in ClinVar:

NM_152281.3(GORAB):c.5del (p.Ala2fs)

Genes: GORAB (golgin, RAB6 interacting; plus strand), GORAB-AS1 (GORAB antisense RNA 1; minus strand). Cytogenetic location: 1q24.2.
Variant type: Deletion.
Coding change: c.5del on transcript NM_152281.3 (MANE Select); coding-DNA position 5, one base deleted (C; older notation c.5delC).
Protein change: p.Ala2fs; shifts the reading frame from alanine 2.
Molecular consequence: frameshift variant. On other transcripts: 5 prime UTR variant (1), non-coding transcript variant (1).
Genome position (GRCh38, 1-based): chr1:170,532,228, C deleted. VCF-style (leftmost placement, unchanged base first): chr1-170532227-GC-G. GRCh37 (hg19) VCF-style: chr1-170501368-GC-G.
Other names: c.5del, p.Ala2fs (NM_001146039.2); c.-761del (NM_001320252.2); short protein forms A2fs.
Identifiers: ClinVar variation 804379 (VCV000804379.3), dbSNP rs1571232872, ClinGen allele CA915943688.

ClinVar aggregate classification (germline): Pathogenic/Likely pathogenic. Review status: criteria provided, multiple submitters, no conflicts (2 of 4 stars). 2 submissions from 2 submitters: Pathogenic (1); Likely pathogenic (1). Last evaluated 2025-09-10.

Conditions:
Geroderma osteodysplastica (GO). Also called: WALT DISNEY DWARFISM; Geroderma osteodysplasticum. Identifiers: Orphanet 2078, MedGen C0432255, MONDO:0009271, OMIM 231070.

Submissions (2):

3billion
Classification: Pathogenic for Geroderma osteodysplastica. Last evaluated: 2025-09-10. Review status: criteria provided, single submitter. Criteria: ACMG Guidelines, 2015. Collection method: clinical testing. Allele origin: germline. Affected: yes.
Comment: The variant is not observed in the gnomAD v4.1.0 dataset. Predicted Consequence/Location: Frameshift: predicted to result in a loss or disruption of normal protein function through nonsense-mediated decay (NMD) or protein truncation. Multiple pathogenic variants are reported downstream of the variant. The variant has been reported to be associated with GORAB-related disorder (ClinVar ID: VCV000804379). Therefore, this variant is classified as Pathogenic according to the recommendation of ACMG/AMP guideline.

Hadassah Hebrew University Medical Center
Classification: Likely pathogenic for Geroderma osteodysplastica. Last evaluated: 2019-06-20. Review status: criteria provided, single submitter. Criteria: ACMG Guidelines, 2015. Collection method: clinical testing. Allele origin: germline. Inheritance: Autosomal recessive inheritance. Affected: yes.